The following is an entry in ClinVar:

ClinVar aggregate classification (germline): Uncertain significance (1 of 4 stars; one submission).

Submission:

GeneDx
Classification: Uncertain significance. Last evaluated: 2023-10-30. Review status: criteria provided, single submitter. Criteria: GeneDx Variant Classification Process June 2021. Collection method: clinical testing. Allele origin: germline. Affected: yes.
Comment: Not observed at significant frequency in large population cohorts (gnomAD); In silico analysis supports that this missense variant does not alter protein structure/function; Has not been previously published as pathogenic or benign to our knowledge

NM_020795.4(NLGN2):c.568G>C (p.Glu190Gln)

Gene: NLGN2 (neuroligin 2; plus strand). Cytogenetic location: 17p13.1.
Variant type: single nucleotide variant.
Coding change: c.568G>C on transcript NM_020795.4 (MANE Select); coding-DNA position 568, G replaced by C.
Protein change: p.Glu190Gln; replaces glutamic acid 190 with glutamine.
Molecular consequence: missense variant.
Genome position (GRCh38, 1-based): chr17:7,414,403, G>C. VCF-style: chr17-7414403-G-C. GRCh37 (hg19) VCF-style: chr17-7317722-G-C.
Other names: short protein forms E190Q.
Identifiers: ClinVar variation 3363761 (VCV003363761.1).